The following is an entry in ClinVar:

NM_152594.3(SPRED1):c.177del (p.Phe59fs)

Gene: SPRED1 (sprouty related EVH1 domain containing 1; plus strand). Cytogenetic location: 15q14.
Variant type: Deletion.
Coding change: c.177del on transcript NM_152594.3 (MANE Select); coding-DNA position 177, one base deleted (T; older notation c.177delT).
Protein change: p.Phe59fs; shifts the reading frame from phenylalanine 59.
Molecular consequence: frameshift variant.
Genome position (GRCh38, 1-based): chr15:38,299,517, T deleted; the last of 6 consecutive T bases (chr15:38,299,512-38,299,517); deleting any one gives the same sequence. VCF-style (leftmost placement, unchanged base first): chr15-38299511-CT-C. GRCh37 (hg19) VCF-style: chr15-38591712-CT-C.
Other names: short protein forms F59fs.
Identifiers: ClinVar variation 2987307 (VCV002987307.3), dbSNP rs1895110802, ClinGen allele CA658761233.

ClinVar aggregate classification (germline): Pathogenic (1 of 4 stars; one submission).

Conditions:
Legius syndrome. Identifiers: Orphanet 137605, MedGen C1969623, MONDO:0012669, OMIM 611431. Disease mechanism: loss of function.

Submission:

Labcorp Genetics (formerly Invitae), Labcorp
Classification: Pathogenic for Legius syndrome. Last evaluated: 2024-05-22. Review status: criteria provided, single submitter. Criteria: Invitae Variant Classification Sherloc (09022015). Collection method: clinical testing. Allele origin: germline.
Comment: This sequence change creates a premature translational stop signal (p.Phe59Leufs*62) in the SPRED1 gene. It is expected to result in an absent or disrupted protein product. Loss-of-function variants in SPRED1 are known to be pathogenic (PMID: 17704776). This variant is not present in population databases (gnomAD no frequency). This variant has not been reported in the literature in individuals affected with SPRED1-related conditions. For these reasons, this variant has been classified as Pathogenic.

Literature cited by the submitters: PubMed 17704776.